The following is an entry in ClinVar:

NM_002905.5(RDH5):c.725T>C (p.Leu242Pro)

Genes: CD63 (CD63 molecule; minus strand), BLOC1S1-RDH5 (BLOC1S1-RDH5 readthrough; plus strand), RDH5 (retinol dehydrogenase 5; plus strand). Cytogenetic location: 12q13.2.
Variant type: single nucleotide variant.
Coding change: c.725T>C on transcript NM_002905.5 (MANE Select); coding-DNA position 725, T replaced by C.
Protein change: p.Leu242Pro; replaces leucine 242 with proline.
Molecular consequence: missense variant. On other transcripts: non-coding transcript variant (1), 3 prime UTR variant (2).
Genome position (GRCh38, 1-based): chr12:55,724,041, T>C. VCF-style: chr12-55724041-T-C. GRCh37 (hg19) VCF-style: chr12-56117825-T-C.
Other names: c.725T>C, p.Leu242Pro (NM_001199771.3); c.*1023A>G (NM_001413284.1); c.*1038A>G (NM_001413285.1); short protein forms L242P.
Identifiers: ClinVar variation 2099394 (VCV002099394.4), dbSNP rs2540175265, ClinGen allele CA385202412.

ClinVar aggregate classification (germline): Uncertain significance (1 of 4 stars; one submission).

Allele frequency attached by ClinVar (database versions not stated): gnomAD exomes below 0.00001.
gnomAD v4.1: 1 of 1,609,972 alleles (0.000062%); highest among the groups gnomAD compares: Non-Finnish European, 0.000085%; no homozygotes.

Submission:

Labcorp Genetics (formerly Invitae), Labcorp
Classification: Uncertain significance. Last evaluated: 2022-03-11. Review status: criteria provided, single submitter. Criteria: Invitae Variant Classification Sherloc (09022015). Collection method: clinical testing. Allele origin: germline.
Comment: This sequence change replaces leucine, which is neutral and non-polar, with proline, which is neutral and non-polar, at codon 242 of the RDH5 protein (p.Leu242Pro). This variant is not present in population databases (gnomAD no frequency). This variant has not been reported in the literature in individuals affected with RDH5-related conditions. Algorithms developed to predict the effect of missense changes on protein structure and function are either unavailable or do not agree on the potential impact of this missense change (SIFT: "Deleterious"; PolyPhen-2: "Benign"; Align-GVGD: "Class C15"). In summary, the available evidence is currently insufficient to determine the role of this variant in disease. Therefore, it has been classified as a Variant of Uncertain Significance.